The following is an entry in ClinVar:

NM_206933.4(USH2A):c.8753_8754del (p.Val2918fs)

Gene: USH2A (usherin; minus strand). Cytogenetic location: 1q41.
Variant type: Microsatellite.
Coding change: c.8753_8754del on transcript NM_206933.4 (MANE Select); coding-DNA positions 8753 to 8754, 2 bases deleted (TG; older notation c.8753_8754delTG).
Protein change: p.Val2918fs; shifts the reading frame from valine 2918.
Molecular consequence: frameshift variant.
Genome position (GRCh38, 1-based): chr1:215,867,098-215,867,099, CA deleted on the plus strand (TG on the coding strand, the reverse complement: USH2A is on the minus strand); deleting any 2 consecutive bases within chr1:215,867,098-215,867,101 gives the same sequence; the c. name uses the placement nearest the transcript's 3' end. VCF-style (leftmost placement, unchanged base first): chr1-215867097-TCA-T. GRCh37 (hg19) VCF-style: chr1-216040439-TCA-T.
Other names: short protein forms V2918fs.
Identifiers: ClinVar variation 3772081 (VCV003772081.13).

ClinVar aggregate classification (germline): Pathogenic (1 of 4 stars; one submission).

Submission:

CeGaT Center for Human Genetics Tuebingen
Classification: Pathogenic. Last evaluated: 2025-10-01. Review status: criteria provided, single submitter. Criteria: CeGaT Center For Human Genetics Tuebingen Variant Classification Criteria Version 2. Collection method: clinical testing. Allele origin: germline. Affected: yes. Observed: 2 variant alleles.
Comment: USH2A: PVS1, PM2